The following is an entry in ClinVar:

ClinVar aggregate classification (germline): Conflicting classifications of pathogenicity. Review status: criteria provided, conflicting classifications (1 of 4 stars). 4 submissions from 4 submitters: Uncertain significance (3); Likely benign (1). Last evaluated 2025-11-10.

Conditions:
Cardiovascular phenotype. Identifiers: MedGen CN230736.
Ehlers-Danlos syndrome (EDS). Identifiers: Orphanet 98249, MedGen C0013720, MONDO:0020066.

Allele frequency attached by ClinVar (database versions not stated): gnomAD exomes 0.00008 and 0.00002; ExAC 0.00011.
gnomAD v4.1: 43 of 1,550,302 alleles (0.0028%); highest among the groups gnomAD compares: South Asian, 0.037%; no homozygotes.

Submissions (4):

Women's Health and Genetics/Laboratory Corporation of America, LabCorp
Classification: Uncertain significance. Last evaluated: 2025-11-10. Review status: criteria provided, single submitter. Criteria: LabCorp Variant Classification Summary - May 2015. Collection method: clinical testing. Allele origin: germline.
Comment: Variant summary: ZNF469 c.4226C>T (p.Pro1409Leu) results in a non-conservative amino acid change in the encoded protein sequence. Algorithms developed to predict the effect of missense changes on protein structure and function are either unavailable or do not agree on the potential impact of this missense change. The variant allele was found at a frequency of 8.5e-05 in 153054 control chromosomes. This frequency is not significantly higher than estimated for disease-causing variants in ZNF469, allowing no conclusion about variant significance. To our knowledge, no occurrence of c.4226C>T in individuals affected with ZNF469-related conditions and no experimental evidence demonstrating its impact on protein function have been reported. ClinVar contains an entry for this variant (Variation ID: 1702129). Based on the evidence outlined above, the variant was classified as uncertain significance.

Ambry Genetics
Classification: Likely benign for Cardiovascular phenotype. Last evaluated: 2025-04-15. Review status: criteria provided, single submitter. Criteria: Ambry Variant Classification Scheme 2023. Collection method: clinical testing. Allele origin: germline.

Labcorp Genetics (formerly Invitae), Labcorp
Classification: Uncertain significance. Last evaluated: 2024-06-29. Review status: criteria provided, single submitter. Criteria: Invitae Variant Classification Sherloc (09022015). Collection method: clinical testing. Allele origin: germline.
Comment: This sequence change replaces proline, which is neutral and non-polar, with leucine, which is neutral and non-polar, at codon 1381 of the ZNF469 protein (p.Pro1381Leu). This variant is present in population databases (rs776065579, gnomAD 0.06%). This variant has not been reported in the literature in individuals affected with ZNF469-related conditions. ClinVar contains an entry for this variant (Variation ID: 1702129). Algorithms developed to predict the effect of missense changes on protein structure and function output the following: SIFT: "Not Available"; PolyPhen-2: "Benign"; Align-GVGD: "Not Available". The leucine amino acid residue is found in multiple mammalian species, which suggests that this missense change does not adversely affect protein function. In summary, the available evidence is currently insufficient to determine the role of this variant in disease. Therefore, it has been classified as a Variant of Uncertain Significance.

Genome Diagnostics Laboratory, The Hospital for Sick Children
Classification: Uncertain significance for Ehlers-Danlos syndrome. Last evaluated: 2018-08-01. Review status: criteria provided, single submitter. Criteria: ACMG Guidelines, 2015. Collection method: clinical testing. Allele origin: germline.

NM_001367624.2(ZNF469):c.4226C>T (p.Pro1409Leu)

Gene: ZNF469 (zinc finger protein 469; plus strand). Cytogenetic location: 16q24.2.
Variant type: single nucleotide variant.
Coding change: c.4226C>T on transcript NM_001367624.2 (MANE Select); coding-DNA position 4226, C replaced by T.
Protein change: p.Pro1409Leu; replaces proline 1409 with leucine.
Molecular consequence: missense variant.
Genome position (GRCh38, 1-based): chr16:88,431,696, C>T. VCF-style: chr16-88431696-C-T. GRCh37 (hg19) VCF-style: chr16-88498104-C-T.
Other names: NM_001127464.2:c.4142C>T; NM_001127464.1:c.4142C>T; short protein forms P1409L.
Identifiers: ClinVar variation 1702129 (VCV001702129.11), dbSNP rs776065579, ClinGen allele CA8224924.